The following is an entry in ClinVar:

ClinVar aggregate classification (germline): Uncertain significance. Review status: criteria provided, multiple submitters, no conflicts (2 of 4 stars). 3 submissions from 3 submitters: Uncertain significance (3). Last evaluated 2024-06-17.

Conditions:
Familial cancer of breast. Also called: Hereditary breast cancer; hereditary breast carcinoma; BREAST CANCER, FAMILIAL. Identifiers: Orphanet 227535, MedGen C0346153, MONDO:0016419, OMIM 114480. Disease mechanism: loss of function.
Hereditary cancer-predisposing syndrome. Also called: Tumor predisposition; Hereditary neoplastic syndrome; Hereditary Cancer Syndrome; Neoplastic Syndromes, Hereditary. Identifiers: Orphanet 140162, MedGen C0027672, MeSH D009386, MONDO:0015356.

Submissions (3):

Ambry Genetics
Classification: Uncertain significance for Hereditary cancer-predisposing syndrome. Last evaluated: 2024-06-17. Review status: criteria provided, single submitter. Criteria: Ambry Variant Classification Scheme 2023. Collection method: clinical testing. Allele origin: germline.
Comment: The p.I146F variant (also known as c.436A>T), located in coding exon 2 of the CHEK2 gene, results from an A to T substitution at nucleotide position 436. The isoleucine at codon 146 is replaced by phenylalanine, an amino acid with highly similar properties. This amino acid position is highly conserved in available vertebrate species. In addition, this alteration is predicted to be deleterious by in silico analysis. Based on the available evidence, the clinical significance of this variant remains unclear.

Labcorp Genetics (formerly Invitae), Labcorp
Classification: Uncertain significance for Familial cancer of breast. Last evaluated: 2022-08-23. Review status: criteria provided, single submitter. Criteria: Invitae Variant Classification Sherloc (09022015). Collection method: clinical testing. Allele origin: germline.
Comment: In summary, the available evidence is currently insufficient to determine the role of this variant in disease. Therefore, it has been classified as a Variant of Uncertain Significance. Algorithms developed to predict the effect of missense changes on protein structure and function are either unavailable or do not agree on the potential impact of this missense change (SIFT: "Deleterious"; PolyPhen-2: "Possibly Damaging"; Align-GVGD: "Class C15"). ClinVar contains an entry for this variant (Variation ID: 918233). This variant has not been reported in the literature in individuals affected with CHEK2-related conditions. This variant is not present in population databases (gnomAD no frequency). This sequence change replaces isoleucine, which is neutral and non-polar, with phenylalanine, which is neutral and non-polar, at codon 146 of the CHEK2 protein (p.Ile146Phe).

Color Diagnostics, LLC DBA Color Health
Classification: Uncertain significance for Hereditary cancer-predisposing syndrome. Last evaluated: 2019-01-04. Review status: criteria provided, single submitter. Criteria: ACMG Guidelines, 2015. Collection method: clinical testing. Allele origin: germline.

NM_007194.4(CHEK2):c.436A>T (p.Ile146Phe)

Gene: CHEK2 (checkpoint kinase 2; minus strand). Cytogenetic location: 22q12.1.
Variant type: single nucleotide variant.
Coding change: c.436A>T on transcript NM_007194.4 (MANE Select); coding-DNA position 436, A replaced by T.
Protein change: p.Ile146Phe; replaces isoleucine 146 with phenylalanine.
Molecular consequence: missense variant.
Genome position (GRCh38, 1-based): chr22:28,725,251, T>A on the plus strand (A>T on the coding strand, the complement: CHEK2 is on the minus strand). VCF-style: chr22-28725251-T-A. GRCh37 (hg19) VCF-style: chr22-29121239-T-A.
Other names: c.565A>T, p.Ile189Phe (NM_001005735.3); c.-342A>T (NM_001257387.3); c.436A>T, p.Ile146Phe (NM_001349956.3, NM_145862.3); short protein forms I189F, I146F.
Identifiers: ClinVar variation 918233 (VCV000918233.14), dbSNP rs781678896, ClinGen allele CA411107890.